The following is an entry in ClinVar:

NM_001379200.1(TBX1):c.1282C>T (p.Pro428Ser)

Gene: TBX1 (T-box transcription factor 1; plus strand). Cytogenetic location: 22q11.21.
Variant type: single nucleotide variant.
Coding change: c.1282C>T on transcript NM_001379200.1 (MANE Select); coding-DNA position 1282, C replaced by T.
Protein change: p.Pro428Ser; replaces proline 428 with serine.
Molecular consequence: missense variant. On other transcripts: intron variant (2).
Genome position (GRCh38, 1-based): chr22:19,766,634, C>T. VCF-style: chr22-19766634-C-T. GRCh37 (hg19) VCF-style: chr22-19754157-C-T.
Other names: c.1255C>T, p.Pro419Ser (NM_080647.1); c.1009+632C>T (NM_005992.1, NM_080646.2); short protein forms P419S, P428S.
Identifiers: ClinVar variation 3013316 (VCV003013316.3), dbSNP rs368614435, ClinGen allele CA10102697.

ClinVar aggregate classification (germline): Uncertain significance (1 of 4 stars; one submission).

Conditions:
DiGeorge syndrome. Also called: Catch22; THIRD AND FOURTH PHARYNGEAL POUCH SYNDROME. Identifiers: Orphanet 567, MedGen C0012236, MONDO:0008564, OMIM 188400.

Allele frequency attached by ClinVar (database versions not stated): gnomAD exomes 0.00001; ExAC 0.00002; ESP Exome Variant Server 0.00009.
gnomAD v4.1: 7 of 1,549,208 alleles (0.00045%); highest among the groups gnomAD compares: Non-Finnish European, 0.00061%; no homozygotes.

Submission:

Labcorp Genetics (formerly Invitae), Labcorp
Classification: Uncertain significance for DiGeorge syndrome. Last evaluated: 2026-01-06. Review status: criteria provided, single submitter. Criteria: Invitae Variant Classification Sherloc (09022015). Collection method: clinical testing. Allele origin: germline.
Comment: This sequence change replaces proline, which is neutral and non-polar, with serine, which is neutral and polar, at codon 419 of the TBX1 protein (p.Pro419Ser). The frequency data for this variant in the population databases is considered unreliable, as metrics indicate poor data quality at this position in the gnomAD database. This variant has not been reported in the literature in individuals affected with TBX1-related conditions. ClinVar contains an entry for this variant (Variation ID: 3013316). An algorithm developed to predict the effect of missense changes on protein structure and function (PolyPhen-2) suggests that this variant is likely to be disruptive. In summary, the available evidence is currently insufficient to determine the role of this variant in disease. Therefore, it has been classified as a Variant of Uncertain Significance.